The following is an entry in ClinVar:

ClinVar aggregate classification (germline): Uncertain significance (1 of 4 stars; one submission).

Submission:

GeneDx
Classification: Uncertain significance. Last evaluated: 2025-06-19. Review status: criteria provided, single submitter. Criteria: GeneDx Variant Classification Process June 2021. Collection method: clinical testing. Allele origin: germline. Affected: yes.
Comment: Not observed at significant frequency in large population cohorts (gnomAD); In silico analysis supports that this missense variant has a deleterious effect on protein structure/function; Has not been previously published as pathogenic or benign to our knowledge; This variant is associated with the following publications: (PMID: 25512093, 25609763, 26100331)

NM_001376.5(DYNC1H1):c.9523C>T (p.His3175Tyr)

Gene: DYNC1H1 (dynein cytoplasmic 1 heavy chain 1; plus strand). Cytogenetic location: 14q32.31.
Variant type: single nucleotide variant.
Coding change: c.9523C>T on transcript NM_001376.5 (MANE Select); coding-DNA position 9523, C replaced by T.
Protein change: p.His3175Tyr; replaces histidine 3175 with tyrosine.
Molecular consequence: missense variant.
Genome position (GRCh38, 1-based): chr14:102,029,593, C>T. VCF-style: chr14-102029593-C-T. GRCh37 (hg19) VCF-style: chr14-102495930-C-T.
Other names: short protein forms H3175Y.
Identifiers: ClinVar variation 4538599 (VCV004538599.1).